The following is an entry in ClinVar:

NM_000553.6(WRN):c.840-2A>T

Gene: WRN (WRN RecQ like helicase; plus strand). Cytogenetic location: 8p12.
Variant type: single nucleotide variant.
Coding change: c.840-2A>T on transcript NM_000553.6 (MANE Select); the canonical splice acceptor site of the intron before coding-DNA position 840, A replaced by T.
Molecular consequence: splice acceptor variant.
Genome position (GRCh38, 1-based): chr8:31,080,865, A>T. VCF-style: chr8-31080865-A-T. GRCh37 (hg19) VCF-style: chr8-30938381-A-T.
Identifiers: ClinVar variation 2679606 (VCV002679606.3), dbSNP rs2535909385, ClinGen allele CA370919572.

ClinVar aggregate classification (germline): Likely pathogenic. Review status: criteria provided, multiple submitters, no conflicts (2 of 4 stars). 2 submissions from 2 submitters: Likely pathogenic (2). Last evaluated 2024-02-19.

Conditions:
Werner syndrome (WRN). Identifiers: Orphanet 902, MedGen C0043119, MONDO:0010196, OMIM 277700.

Submissions (2):

Labcorp Genetics (formerly Invitae), Labcorp
Classification: Likely pathogenic for Werner syndrome. Last evaluated: 2024-02-19. Review status: criteria provided, single submitter. Criteria: Invitae Variant Classification Sherloc (09022015). Collection method: clinical testing. Allele origin: germline.
Comment: This sequence change affects an acceptor splice site in intron 8 of the WRN gene. It is expected to disrupt RNA splicing. Variants that disrupt the donor or acceptor splice site typically lead to a loss of protein function (PMID: 16199547), and loss-of-function variants in WRN are known to be pathogenic (PMID: 16673358). This variant is not present in population databases (gnomAD no frequency). This variant has not been reported in the literature in individuals affected with WRN-related conditions. Algorithms developed to predict the effect of sequence changes on RNA splicing suggest that this variant may disrupt the consensus splice site. In summary, the currently available evidence indicates that the variant is pathogenic, but additional data are needed to prove that conclusively. Therefore, this variant has been classified as Likely Pathogenic.

Baylor Genetics
Classification: Likely pathogenic for Werner syndrome. Last evaluated: 2023-04-27. Review status: criteria provided, single submitter. Criteria: ACMG Guidelines, 2015. Collection method: clinical testing. Allele origin: unknown.

Literature cited by the submitters: PubMed 16199547 (cited by Labcorp Genetics (formerly Invitae), Labcorp); PubMed 16673358 (cited by Labcorp Genetics (formerly Invitae), Labcorp).